The following is an entry in ClinVar:

ClinVar aggregate classification (germline): Uncertain significance (1 of 4 stars; one submission).

Submission:

Labcorp Genetics (formerly Invitae), Labcorp
Classification: Uncertain significance. Last evaluated: 2024-11-10. Review status: criteria provided, single submitter. Criteria: Invitae Variant Classification Sherloc (09022015). Collection method: clinical testing. Allele origin: germline.
Comment: This sequence change replaces glutamine, which is neutral and polar, with histidine, which is basic and polar, at codon 706 of the ALPK3 protein (p.Gln706His). This variant is not present in population databases (gnomAD no frequency). This variant has not been reported in the literature in individuals affected with ALPK3-related conditions. Invitae Evidence Modeling of protein sequence and biophysical properties (such as structural, functional, and spatial information, amino acid conservation, physicochemical variation, residue mobility, and thermodynamic stability) indicates that this missense variant is not expected to disrupt ALPK3 protein function with a negative predictive value of 80%. In summary, the available evidence is currently insufficient to determine the role of this variant in disease. Therefore, it has been classified as a Variant of Uncertain Significance.

NM_020778.5(ALPK3):c.1512A>C (p.Gln504His)

Genes: ALPK3 (alpha kinase 3; plus strand), LOC111718493 (skeletal muscle cis-regulatory module overlapping ALPK3; plus strand). Cytogenetic location: 15q25.3.
Variant type: single nucleotide variant.
Coding change: c.1512A>C on transcript NM_020778.5 (MANE Select); coding-DNA position 1512, A replaced by C.
Protein change: p.Gln504His; replaces glutamine 504 with histidine.
Molecular consequence: missense variant.
Genome position (GRCh38, 1-based): chr15:84,840,791, A>C. VCF-style: chr15-84840791-A-C. GRCh37 (hg19) VCF-style: chr15-85384022-A-C.
Other names: short protein forms Q504H.
Identifiers: ClinVar variation 3692348 (VCV003692348.2).
Genomic context (GRCh38, chr15:84,840,791, plus strand): 5'-CCCTCCAAAGCCCAAAGGAGAGGCCACCACTGACAGCAAGCCCATTTCTTCTCTGAGTCA[A>C]GCTCCAGAATGCGGGGCCCAGAGCTTAGGAAAGGCCCCACCTCAGGCCTCTGTGCAGGTG-3'
Protein context (NP_065829.4, residues 494-514): TDSKPISSLS[Gln504His]APECGAQSLG